The following is an entry in ClinVar:

ClinVar aggregate classification (germline): Pathogenic. Review status: criteria provided, multiple submitters, no conflicts (2 of 4 stars). 2 submissions from 2 submitters: Pathogenic (2). Last evaluated 2024-01-31.

Conditions:
Inborn genetic diseases. Identifiers: MedGen C0950123, MeSH D030342.

Submissions (2):

Ambry Genetics
Classification: Pathogenic for Inborn genetic diseases. Last evaluated: 2024-01-31. Review status: criteria provided, single submitter. Criteria: Ambry Variant Classification Scheme 2023. Collection method: clinical testing. Allele origin: germline.
Comment: The c.288delT (p.V97Lfs*7) alteration, located in exon 3 (coding exon 3) of the XPA gene, consists of a deletion of one nucleotide at position 288, causing a translational frameshift with a predicted alternate stop codon after 7 amino acids. This alteration is expected to result in loss of function by premature protein truncation or nonsense-mediated mRNA decay. This variant was not reported in population-based cohorts in the Genome Aggregation Database (gnomAD). This variant has been identified in trans with another XPA variant in two individuals from the same family with features consistent with XPA-related xeroderma pigmentosum (Christen-Zaech, 2009). Based on the available evidence, this alteration is classified as pathogenic.

Labcorp Genetics (formerly Invitae), Labcorp
Classification: Pathogenic. Last evaluated: 2023-12-09. Review status: criteria provided, single submitter. Criteria: Invitae Variant Classification Sherloc (09022015). Collection method: clinical testing. Allele origin: germline.
Comment: This sequence change creates a premature translational stop signal (p.Val97Leufs*7) in the XPA gene. It is expected to result in an absent or disrupted protein product. Loss-of-function variants in XPA are known to be pathogenic (PMID: 27607234). This variant is not present in population databases (gnomAD no frequency). This premature translational stop signal has been observed in individual(s) with xeroderma pigmentosum (PMID: 19917958). For these reasons, this variant has been classified as Pathogenic.

Literature cited by the submitters: PubMed 19917958 (cited by Ambry Genetics and Labcorp Genetics (formerly Invitae), Labcorp); PubMed 27607234 (cited by Labcorp Genetics (formerly Invitae), Labcorp).

NM_000380.4(XPA):c.288del (p.Val97fs)

Gene: XPA (XPA, DNA damage recognition and repair factor; minus strand). Cytogenetic location: 9q22.33.
Variant type: Deletion.
Coding change: c.288del on transcript NM_000380.4 (MANE Select); coding-DNA position 288, one base deleted (T; older notation c.288delT).
Protein change: p.Val97fs; shifts the reading frame from valine 97.
Molecular consequence: frameshift variant. On other transcripts: non-coding transcript variant (2).
Genome position (GRCh38, 1-based): chr9:97,689,635, A deleted on the plus strand (T on the coding strand, the reverse complement: XPA is on the minus strand). VCF-style (leftmost placement, unchanged base first): chr9-97689634-CA-C. GRCh37 (hg19) VCF-style: chr9-100451916-CA-C.
Other names: c.162del, p.Val55fs (NM_001354975.2); short protein forms V97fs, V55fs.
Identifiers: ClinVar variation 2735304 (VCV002735304.4), dbSNP rs2490227298, ClinGen allele CA2690902532.